The following is an entry in ClinVar:

NM_002336.3(LRP6):c.4243G>C (p.Val1415Leu)

Gene: LRP6 (LDL receptor related protein 6; minus strand). Cytogenetic location: 12p13.2.
Variant type: single nucleotide variant.
Coding change: c.4243G>C on transcript NM_002336.3 (MANE Select); coding-DNA position 4243, G replaced by C.
Protein change: p.Val1415Leu; replaces valine 1415 with leucine.
Molecular consequence: missense variant.
Genome position (GRCh38, 1-based): chr12:12,126,760, C>G on the plus strand (G>C on the coding strand, the complement: LRP6 is on the minus strand). VCF-style: chr12-12126760-C-G. GRCh37 (hg19) VCF-style: chr12-12279694-C-G.
Other names: c.4336G>C, p.Val1446Leu (NM_001414244.1); c.4243G>C, p.Val1415Leu (NM_001414245.1, NM_001414248.1, NM_001414249.1 and 1 more transcripts); c.4108G>C, p.Val1370Leu (NM_001414246.1); c.4045G>C, p.Val1349Leu (NM_001414247.1); c.3880G>C, p.Val1294Leu (NM_001414251.1); c.3790G>C, p.Val1264Leu (NM_001414252.1, NM_001414253.1, NM_001414254.1); c.3736G>C, p.Val1246Leu (NM_001414255.1); short protein forms V1370L, V1264L, V1294L, V1349L, V1446L, V1246L, V1415L.
Identifiers: ClinVar variation 2067411 (VCV002067411.4), dbSNP rs775526087, ClinGen allele CA6455011.

ClinVar aggregate classification (germline): Uncertain significance (1 of 4 stars; one submission).

Allele frequency attached by ClinVar (database versions not stated): ExAC 0.00001; gnomAD exomes 0.00001.

Submission:

Labcorp Genetics (formerly Invitae), Labcorp
Classification: Uncertain significance. Last evaluated: 2022-09-19. Review status: criteria provided, single submitter. Criteria: Invitae Variant Classification Sherloc (09022015). Collection method: clinical testing. Allele origin: germline.
Comment: This sequence change replaces valine, which is neutral and non-polar, with leucine, which is neutral and non-polar, at codon 1415 of the LRP6 protein (p.Val1415Leu). This variant has not been reported in the literature in individuals affected with LRP6-related conditions. This variant is present in population databases (rs775526087, gnomAD 0.0009%). In summary, the available evidence is currently insufficient to determine the role of this variant in disease. Therefore, it has been classified as a Variant of Uncertain Significance. Algorithms developed to predict the effect of missense changes on protein structure and function are either unavailable or do not agree on the potential impact of this missense change (SIFT: "Deleterious"; PolyPhen-2: "Benign"; Align-GVGD: "Class C25").